The following is an entry in ClinVar:

NM_000051.4(ATM):c.497-19A>T

Gene: ATM (ATM serine/threonine kinase; plus strand). Cytogenetic location: 11q22.3.
Variant type: single nucleotide variant.
Coding change: c.497-19A>T on transcript NM_000051.4 (MANE Select); 19 bases into the intron before coding-DNA position 497, A replaced by T.
Molecular consequence: intron variant.
Genome position (GRCh38, 1-based): chr11:108,243,934, A>T. VCF-style: chr11-108243934-A-T. GRCh37 (hg19) VCF-style: chr11-108114661-A-T.
Other names: c.497-19A>T (NM_001351834.2).
Identifiers: ClinVar variation 3254110 (VCV003254110.2), dbSNP rs894871243.

ClinVar aggregate classification (germline): Likely benign. Review status: criteria provided, multiple submitters, no conflicts (2 of 4 stars). 2 submissions from 2 submitters: Likely benign (2). Last evaluated 2024-04-19.

Conditions:
Familial cancer of breast. Also called: hereditary breast carcinoma; BREAST CANCER, FAMILIAL; Hereditary breast cancer. Identifiers: Orphanet 227535, MedGen C0346153, MONDO:0016419, OMIM 114480. Disease mechanism: loss of function.

Allele frequency attached by ClinVar (database versions not stated): TOPMed below 0.00001; gnomAD 0.00001.
gnomAD v4.1: 17 of 1,201,002 alleles (0.0014%); highest among the groups gnomAD compares: East Asian, 0.0059%; no homozygotes.

Submissions (2):

Myriad Genetics, Inc.
Classification: Likely benign for Familial cancer of breast. Last evaluated: 2024-04-19. Review status: criteria provided, single submitter. Criteria: Myriad Autosomal Dominant, Autosomal Recessive and X-Linked Classification Criteria (2023). Collection method: clinical testing. Allele origin: unknown.
Comment: This variant is considered likely benign. This variant is intronic and is not expected to impact mRNA splicing.

Blueprint Genetics
Classification: Likely benign. Last evaluated: 2023-02-02. Review status: criteria provided, single submitter. Criteria: ACMG Guidelines, 2015. Collection method: clinical testing. Allele origin: germline.